The following is an entry in ClinVar:

NM_003673.4(TCAP):c.50_51dup (p.Arg18fs)

Gene: TCAP (titin-cap; plus strand). Cytogenetic location: 17q12.
Variant type: Microsatellite.
Coding change: c.50_51dup on transcript NM_003673.4 (MANE Select); coding-DNA positions 50 to 51, 2 bases duplicated (GC; older notation c.50_51dupGC).
Protein change: p.Arg18fs; shifts the reading frame from arginine 18.
Molecular consequence: frameshift variant.
Genome position (GRCh38, 1-based): chr17:39,665,409-39,665,410, GC duplicated; duplicating any 2 consecutive bases within chr17:39,665,407-39,665,410 gives the same sequence; the c. name uses the placement nearest the transcript's 3' end. VCF-style (leftmost placement, unchanged base first): chr17-39665406-A-AGC. GRCh37 (hg19) VCF-style: chr17-37821659-A-AGC.
Other names: short protein forms R18fs.
Identifiers: ClinVar variation 2948047 (VCV002948047.3), dbSNP rs2543737772, ClinGen allele CA2740095327.

ClinVar aggregate classification (germline): Pathogenic (1 of 4 stars; one submission).

Conditions:
Primary familial hypertrophic cardiomyopathy (HCM). Identifiers: Orphanet 99739, MedGen C0949658, MeSH D024741, MONDO:0024573. Inheritance: Various modes of inheritance.
Hypertrophic cardiomyopathy 25 (CMH25). Also called: CARDIOMYOPATHY, FAMILIAL HYPERTROPHIC, 25. Identifiers: MedGen C4225408, MONDO:0011843, OMIM 607487.

Submission:

Labcorp Genetics (formerly Invitae), Labcorp
Classification: Pathogenic for Hypertrophic cardiomyopathy 25; Primary familial hypertrophic cardiomyopathy. Last evaluated: 2023-06-02. Review status: criteria provided, single submitter. Criteria: Invitae Variant Classification Sherloc (09022015). Collection method: clinical testing. Allele origin: germline.
Comment: This variant disrupts a region of the TCAP protein in which other variant(s) (p.Gln53*) have been determined to be pathogenic (PMID: 10655062, 23479141, 25298746). This suggests that this is a clinically significant region of the protein, and that variants that disrupt it are likely to be disease-causing. This variant has not been reported in the literature in individuals affected with TCAP-related conditions. This variant is not present in population databases (gnomAD no frequency). This sequence change creates a premature translational stop signal (p.Arg18Alafs*12) in the TCAP gene. While this is not anticipated to result in nonsense mediated decay, it is expected to disrupt the last 150 amino acid(s) of the TCAP protein. For these reasons, this variant has been classified as Pathogenic.

Literature cited by the submitters: PubMed 10655062; PubMed 23479141; PubMed 25298746.